The following is an entry in ClinVar:

NM_000548.5(TSC2):c.4425A>C (p.Val1475=)

Gene: TSC2 (TSC complex subunit 2; plus strand). Cytogenetic location: 16p13.3.
Variant type: single nucleotide variant.
Coding change: c.4425A>C on transcript NM_000548.5 (MANE Select); coding-DNA position 4425, A replaced by C.
Protein change: p.Val1475=; no amino-acid change (valine 1475 retained).
Molecular consequence: synonymous variant.
Genome position (GRCh38, 1-based): chr16:2,084,647, A>C. VCF-style: chr16-2084647-A-C. GRCh37 (hg19) VCF-style: chr16-2134648-A-C.
Other names: c.4224A>C, p.Val1408= (NM_001077183.3); c.4356A>C, p.Val1452= (NM_001114382.3); c.4116A>C, p.Val1372= (NM_001318827.2); c.4080A>C, p.Val1360= (NM_001318829.2); c.3693A>C, p.Val1231= (NM_001318831.2); c.4257A>C, p.Val1419= (NM_001318832.2); c.4227A>C, p.Val1409= (NM_001363528.2); c.4293A>C, p.Val1431= (NM_001370404.1); and 1 more.
Identifiers: ClinVar variation 238049 (VCV000238049.16), dbSNP rs878854106, ClinGen allele CA10583333.

ClinVar aggregate classification (germline): Benign/Likely benign. Review status: criteria provided, multiple submitters, no conflicts (2 of 4 stars). 4 submissions from 4 submitters: Benign (1); Likely benign (3). Last evaluated 2025-07-08.

Conditions:
Hereditary cancer-predisposing syndrome. Also called: Tumor predisposition; Hereditary Cancer Syndrome; Hereditary neoplastic syndrome; Neoplastic Syndromes, Hereditary. Identifiers: Orphanet 140162, MedGen C0027672, MeSH D009386, MONDO:0015356.
Tuberous sclerosis syndrome (TSC). Also called: Tuberous Sclerosis Complex; Tuberous sclerosis. Identifiers: Orphanet 805, MedGen C0041341, MONDO:0001734.
Tuberous sclerosis 2 (TSC2). Identifiers: Orphanet 805, MedGen C1860707, MONDO:0013199, OMIM 613254.

Allele frequency attached by ClinVar (database versions not stated): gnomAD exomes below 0.00001; gnomAD 0.00001; TOPMed 0.00002.
gnomAD v4.1: 4 of 1,599,478 alleles (0.00025%); highest among the groups gnomAD compares: Non-Finnish European, 0.00034%; no homozygotes.

Submissions (4):

Labcorp Genetics (formerly Invitae), Labcorp
Classification: Likely benign for Tuberous sclerosis 2. Last evaluated: 2025-07-08. Review status: criteria provided, single submitter. Criteria: Invitae Variant Classification Sherloc (09022015). Collection method: clinical testing. Allele origin: germline.

Myriad Genetics, Inc.
Classification: Benign for Tuberous sclerosis 2. Last evaluated: 2025-06-03. Review status: criteria provided, single submitter. Criteria: Myriad Autosomal Dominant, Autosomal Recessive and X-Linked Classification Criteria (2023). Collection method: clinical testing. Allele origin: unknown.
Comment: This variant is considered benign. This variant is a silent/synonymous amino acid change and it is not expected to impact splicing.

All of Us Research Program, National Institutes of Health
Classification: Likely benign for Tuberous sclerosis syndrome. Last evaluated: 2023-03-09. Review status: criteria provided, single submitter. Criteria: ACMG Guidelines, 2015. Collection method: clinical testing. Allele origin: germline. Inheritance: Autosomal dominant inheritance. Observed: 1 variant allele, 1 heterozygote.
Comment: This study involves interpretation of variants in research participants for the purpose of population health screening. Participant phenotype was not available at the time of variant classification. Additional details can be found in publication PMID: 35346344, PMCID: PMC8962531

Ambry Genetics
Classification: Likely benign for Hereditary cancer-predisposing syndrome. Last evaluated: 2023-02-08. Review status: criteria provided, single submitter. Criteria: Ambry Variant Classification Scheme 2023. Collection method: clinical testing. Allele origin: germline.